The following is an entry in ClinVar:

ClinVar aggregate classification (germline): Uncertain significance. Review status: criteria provided, multiple submitters, no conflicts (2 of 4 stars). 2 submissions from 2 submitters: Uncertain significance (2). Last evaluated 2024-04-10.

Conditions:
Intrauterine growth retardation, metaphyseal dysplasia, adrenal hypoplasia congenita, genital anomalies, and immunodeficiency. Also called: IMAGEI SYNDROME. Identifiers: MedGen C5193036, MONDO:0032684, OMIM 618336.
Facial dysmorphism-immunodeficiency-livedo-short stature syndrome. Also called: FILS syndrome; Facial dysmorphism, immunodeficiency, livedo, and short stature. Identifiers: Orphanet 352712, MedGen C3554576, MONDO:0014058, OMIM 615139.
Colorectal cancer, susceptibility to, 12 (CRCS12). Also called: COLORECTAL CANCER, SUSCEPTIBILITY TO, ON CHROMOSOME 12q24. Identifiers: Orphanet 220460, MedGen C3554460, MONDO:0014038, OMIM 615083.

Submissions (2):

Fulgent Genetics
Classification: Uncertain significance for Colorectal cancer, susceptibility to, 12; Facial dysmorphism-immunodeficiency-livedo-short stature syndrome; Intrauterine growth retardation, metaphyseal dysplasia, adrenal hypoplasia congenita, genital anomalies, and immunodeficiency. Last evaluated: 2024-04-10. Review status: criteria provided, single submitter. Criteria: ACMG Guidelines, 2015. Collection method: clinical testing. Allele origin: germline.

Labcorp Genetics (formerly Invitae), Labcorp
Classification: Uncertain significance. Last evaluated: 2023-06-27. Review status: criteria provided, single submitter. Criteria: Invitae Variant Classification Sherloc (09022015). Collection method: clinical testing. Allele origin: germline.
Comment: In summary, the available evidence is currently insufficient to determine the role of this variant in disease. Therefore, it has been classified as a Variant of Uncertain Significance. Advanced modeling of protein sequence and biophysical properties (such as structural, functional, and spatial information, amino acid conservation, physicochemical variation, residue mobility, and thermodynamic stability) performed at Invitae indicates that this missense variant is not expected to disrupt POLE protein function. ClinVar contains an entry for this variant (Variation ID: 964281). This variant has not been reported in the literature in individuals affected with POLE-related conditions. This variant is not present in population databases (gnomAD no frequency). This sequence change replaces glutamic acid, which is acidic and polar, with lysine, which is basic and polar, at codon 709 of the POLE protein (p.Glu709Lys).

NM_006231.4(POLE):c.2125G>A (p.Glu709Lys)

Gene: POLE (DNA polymerase epsilon, catalytic subunit; minus strand). Cytogenetic location: 12q24.33.
Variant type: single nucleotide variant.
Coding change: c.2125G>A on transcript NM_006231.4 (MANE Select); coding-DNA position 2125, G replaced by A.
Protein change: p.Glu709Lys; replaces glutamic acid 709 with lysine.
Molecular consequence: missense variant.
Genome position (GRCh38, 1-based): chr12:132,668,404, C>T on the plus strand (G>A on the coding strand, the complement: POLE is on the minus strand). VCF-style: chr12-132668404-C-T. GRCh37 (hg19) VCF-style: chr12-133244990-C-T.
Other names: short protein forms E709K.
Identifiers: ClinVar variation 964281 (VCV000964281.10), dbSNP rs1367402208, ClinGen allele CA387353811.